The following is an entry in ClinVar:

ClinVar aggregate classification (germline): Uncertain significance (1 of 4 stars; one submission).

Submission:

Labcorp Genetics (formerly Invitae), Labcorp
Classification: Uncertain significance. Last evaluated: 2023-05-01. Review status: criteria provided, single submitter. Criteria: Invitae Variant Classification Sherloc (09022015). Collection method: clinical testing. Allele origin: germline.
Comment: In summary, the available evidence is currently insufficient to determine the role of this variant in disease. Therefore, it has been classified as a Variant of Uncertain Significance. An algorithm developed to predict the effect of missense changes on protein structure and function (PolyPhen-2) suggests that this variant is likely to be tolerated. This variant has not been reported in the literature in individuals affected with KIF20A-related conditions. This variant is not present in population databases (gnomAD no frequency). This sequence change replaces serine, which is neutral and polar, with leucine, which is neutral and non-polar, at codon 41 of the KIF20A protein (p.Ser41Leu).

NM_005733.3(KIF20A):c.122C>T (p.Ser41Leu)

Gene: KIF20A (kinesin family member 20A; plus strand). Cytogenetic location: 5q31.2.
Variant type: single nucleotide variant.
Coding change: c.122C>T on transcript NM_005733.3 (MANE Select); coding-DNA position 122, C replaced by T.
Protein change: p.Ser41Leu; replaces serine 41 with leucine.
Molecular consequence: missense variant.
Genome position (GRCh38, 1-based): chr5:138,179,802, C>T. VCF-style: chr5-138179802-C-T. GRCh37 (hg19) VCF-style: chr5-137515491-C-T.
Other names: short protein forms S41L.
Identifiers: ClinVar variation 2861145 (VCV002861145.3), dbSNP rs2482169224, ClinGen allele CA361111723.
Genomic context (GRCh38, chr5:138,179,802, plus strand): 5'-CTCCCATGTTTGAGTCCACAGCTGCAGATTTGGGGTCTGTGGTACGCAAGAACCTGCTAT[C>T]AGACTGCTCTGTCGTCTCTACCTCCCTAGAGGACAAGCAGCAGGTAAAGGAACTGGGGAG-3'
Protein context (NP_005724.1, residues 31-51): LGSVVRKNLL[Ser41Leu]DCSVVSTSLE